The following is an entry in ClinVar:

ClinVar aggregate classification (germline): Uncertain significance. Review status: criteria provided, multiple submitters, no conflicts (2 of 4 stars). 2 submissions from 2 submitters: Uncertain significance (2). Last evaluated 2022-09-03.

Conditions:
Hereditary hemorrhagic telangiectasia (HHT). Also called: Osler hemorrhagic telangiectasia syndrome; ORW DISEASE; Osler Weber Rendu syndrome; OSLER-RENDU-WEBER DISEASE. Identifiers: Orphanet 774, MedGen C0039445, MONDO:0019180. Disease mechanism: loss of function.

gnomAD v4.1: 14 of 1,614,024 alleles (0.00087%); highest among the groups gnomAD compares: African/African-American, 0.0027%; no homozygotes.

Submissions (2):

Labcorp Genetics (formerly Invitae), Labcorp
Classification: Uncertain significance for Hereditary hemorrhagic telangiectasia. Last evaluated: 2022-09-03. Review status: criteria provided, single submitter. Criteria: Invitae Variant Classification Sherloc (09022015). Collection method: clinical testing. Allele origin: germline.
Comment: In summary, the available evidence is currently insufficient to determine the role of this variant in disease. Therefore, it has been classified as a Variant of Uncertain Significance. Algorithms developed to predict the effect of sequence changes on RNA splicing suggest that this variant may create or strengthen a splice site. Advanced modeling of protein sequence and biophysical properties (such as structural, functional, and spatial information, amino acid conservation, physicochemical variation, residue mobility, and thermodynamic stability) performed at Invitae indicates that this missense variant is not expected to disrupt ENG protein function. This missense change has been observed in individual(s) with pulmonary arterial hypertension (PMID: 29650961). ClinVar contains an entry for this variant (Variation ID: 1204723). This variant is not present in population databases (gnomAD no frequency). This sequence change replaces serine, which is neutral and polar, with arginine, which is basic and polar, at codon 473 of the ENG protein (p.Ser473Arg).

GeneDx
Classification: Uncertain significance. Last evaluated: 2021-04-07. Review status: criteria provided, single submitter. Criteria: GeneDx Variant Classification Process June 2021. Collection method: clinical testing. Allele origin: germline. Affected: yes.
Comment: Observed in one individual with pulmonary arterial hypertension (Graf et al., 2018); Not observed in large population cohorts (Lek et al., 2016); In silico analysis supports a deleterious effect on splicing; In silico analysis supports that this missense variant does not alter protein structure/function; This variant is associated with the following publications: (PMID: 29650961)

Literature cited by the submitters: PubMed 29650961 (cited by Labcorp Genetics (formerly Invitae), Labcorp).

NM_001114753.3(ENG):c.1419C>G (p.Ser473Arg)

Genes: ENG (endoglin; minus strand), LOC102723566 (uncharacterized LOC102723566; plus strand). Cytogenetic location: 9q34.11.
Variant type: single nucleotide variant.
Coding change: c.1419C>G on transcript NM_001114753.3 (MANE Select); coding-DNA position 1419, C replaced by G.
Protein change: p.Ser473Arg; replaces serine 473 with arginine.
Molecular consequence: missense variant.
Genome position (GRCh38, 1-based): chr9:127,818,725, G>C on the plus strand (C>G on the coding strand, the complement: ENG is on the minus strand). VCF-style: chr9-127818725-G-C. GRCh37 (hg19) VCF-style: chr9-130581004-G-C.
Other names: c.1419C>G, p.Ser473Arg (NM_000118.4); c.873C>G, p.Ser291Arg (NM_001278138.2); short protein forms S291R, S473R.
Identifiers: ClinVar variation 1204723 (VCV001204723.10), dbSNP rs561818608, ClinGen allele CA374976591.